The following is an entry in ClinVar:

NM_152424.4(AMER1):c.1675del (p.Glu559fs)

Gene: AMER1 (APC membrane recruitment protein 1; minus strand). Cytogenetic location: Xq11.2.
Variant type: Deletion.
Coding change: c.1675del on transcript NM_152424.4 (MANE Select); coding-DNA position 1675, one base deleted (G; older notation c.1675delG).
Protein change: p.Glu559fs; shifts the reading frame from glutamic acid 559.
Molecular consequence: frameshift variant.
Genome position (GRCh38, 1-based): chrX:64,191,612, C deleted on the plus strand (G on the coding strand, the reverse complement: AMER1 is on the minus strand). VCF-style (leftmost placement, unchanged base first): chrX-64191611-TC-T. GRCh37 (hg19) VCF-style: chrX-63411491-TC-T.
Other names: short protein forms E559fs.
Identifiers: ClinVar variation 5019441 (VCV005019441.2).

ClinVar aggregate classification (germline): Uncertain significance (1 of 4 stars; one submission).

Conditions:
Osteopathia striata with cranial sclerosis (OSCS). Also called: HYPEROSTOSIS GENERALISATA WITH STRIATIONS. Identifiers: Orphanet 2780, MedGen C0432268, MONDO:0010310, OMIM 300373.

Submission:

Juno Genomics, Hangzhou Juno Genomics, Inc
Classification: Uncertain significance for Osteopathia striata with cranial sclerosis. Review status: criteria provided, single submitter. Criteria: ACMG Guidelines, 2015. Collection method: clinical testing. Allele origin: germline.
Comment: Absent from controls (or at extremely low frequency if recessive) in Genome Aggregation Database.;Null variant in a gene where loss of function (LOF) is a known mechanism of disease.